The following is an entry in ClinVar:

ClinVar aggregate classification (germline): Uncertain significance. Review status: criteria provided, multiple submitters, no conflicts (2 of 4 stars). 2 submissions from 2 submitters: Uncertain significance (2). Last evaluated 2025-10-11.

Conditions:
Emery-Dreifuss muscular dystrophy 5, autosomal dominant (EDMD5). Also called: EMERY-DREIFUSS MUSCULAR DYSTROPHY 5. Identifiers: Orphanet 261, MedGen C2751805, MONDO:0013072, OMIM 612999.

gnomAD v4.1: 5 of 1,614,142 alleles (0.00031%); highest among the groups gnomAD compares: Admixed American, 0.0033%; no homozygotes.

Submissions (2):

Labcorp Genetics (formerly Invitae), Labcorp
Classification: Uncertain significance for Emery-Dreifuss muscular dystrophy 5, autosomal dominant. Last evaluated: 2025-10-11. Review status: criteria provided, single submitter. Criteria: Invitae Variant Classification Sherloc (09022015). Collection method: clinical testing. Allele origin: germline.
Comment: This sequence change replaces proline, which is neutral and non-polar, with glutamine, which is neutral and polar, at codon 3289 of the SYNE2 protein (p.Pro3289Gln). This variant is not present in population databases (gnomAD no frequency). This variant has not been reported in the literature in individuals affected with SYNE2-related conditions. An algorithm developed to predict the effect of missense changes on protein structure and function (PolyPhen-2) suggests that this variant is likely to be disruptive. In summary, the available evidence is currently insufficient to determine the role of this variant in disease. Therefore, it has been classified as a Variant of Uncertain Significance.

Athena Diagnostics
Classification: Uncertain significance. Last evaluated: 2025-07-17. Review status: criteria provided, single submitter. Criteria: Athena Diagnostics Criteria. Collection method: clinical testing. Allele origin: unknown.
Comment: Available data are insufficient to determine the clinical significance of the variant at this time. The frequency of this variant in the general population is uninformative in assessment of its pathogenicity. Polyphen and MutationTaster yielded discordant predictions regarding whether this amino acid change is damaging to the protein.

NM_182914.3(SYNE2):c.9866C>A (p.Pro3289Gln)

Gene: SYNE2 (spectrin repeat containing nuclear envelope protein 2; plus strand). Cytogenetic location: 14q23.2.
Variant type: single nucleotide variant.
Coding change: c.9866C>A on transcript NM_182914.3 (MANE Select); coding-DNA position 9866, C replaced by A.
Protein change: p.Pro3289Gln; replaces proline 3289 with glutamine.
Molecular consequence: missense variant.
Genome position (GRCh38, 1-based): chr14:64,056,065, C>A. VCF-style: chr14-64056065-C-A. GRCh37 (hg19) VCF-style: chr14-64522783-C-A.
Other names: c.9866C>A, p.Pro3289Gln (NM_015180.6); short protein forms P3289Q.
Identifiers: ClinVar variation 4682281 (VCV004682281.2).